The following is an entry in ClinVar:

ClinVar aggregate classification (germline): Uncertain significance. Review status: criteria provided, multiple submitters, no conflicts (2 of 4 stars). 3 submissions from 3 submitters: Uncertain significance (3). Last evaluated 2025-05-25.

Conditions:
POLD1-related polyposis and colorectal cancer syndrome (CRCS10). Also called: Colorectal cancer, susceptibility to, 10; Colorectal cancer 10; COLORECTAL CANCER, SUSCEPTIBILITY TO, ON CHROMOSOME 19q. Identifiers: Orphanet 220460, MedGen C2675481, MONDO:0012953, OMIM 612591.
Hereditary cancer-predisposing syndrome. Also called: Neoplastic Syndromes, Hereditary; Hereditary neoplastic syndrome; Hereditary Cancer Syndrome; Tumor predisposition. Identifiers: Orphanet 140162, MedGen C0027672, MeSH D009386, MONDO:0015356.

Allele frequency attached by ClinVar (database versions not stated): gnomAD 0.00001; TOPMed 0.00001; gnomAD exomes 0.00002.
gnomAD v4.1: 26 of 1,613,854 alleles (0.0016%); highest among the groups gnomAD compares: Non-Finnish European, 0.0022%; no homozygotes.

Submissions (3):

Labcorp Genetics (formerly Invitae), Labcorp
Classification: Uncertain significance for POLD1-related polyposis and colorectal cancer syndrome. Last evaluated: 2025-05-25. Review status: criteria provided, single submitter. Criteria: Invitae Variant Classification Sherloc (09022015). Collection method: clinical testing. Allele origin: germline.
Comment: This sequence change replaces threonine, which is neutral and polar, with isoleucine, which is neutral and non-polar, at codon 600 of the POLD1 protein (p.Thr600Ile). This variant is not present in population databases (gnomAD no frequency). This variant has not been reported in the literature in individuals affected with POLD1-related conditions. ClinVar contains an entry for this variant (Variation ID: 407979). Invitae Evidence Modeling of protein sequence and biophysical properties (such as structural, functional, and spatial information, amino acid conservation, physicochemical variation, residue mobility, and thermodynamic stability) indicates that this missense variant is not expected to disrupt POLD1 protein function with a negative predictive value of 80%. In summary, the available evidence is currently insufficient to determine the role of this variant in disease. Therefore, it has been classified as a Variant of Uncertain Significance.

GeneDx
Classification: Uncertain significance. Last evaluated: 2025-01-28. Review status: criteria provided, single submitter. Criteria: GeneDx Variant Classification Process June 2021. Collection method: clinical testing. Allele origin: germline. Affected: yes.
Comment: Not observed at significant frequency in large population cohorts (gnomAD); In silico analysis supports that this missense variant has a deleterious effect on protein structure/function; Has not been previously published as pathogenic or benign to our knowledge; This variant is associated with the following publications: (PMID: 20951805)

Ambry Genetics
Classification: Uncertain significance for Hereditary cancer-predisposing syndrome. Last evaluated: 2024-03-13. Review status: criteria provided, single submitter. Criteria: Ambry Variant Classification Scheme 2023. Collection method: clinical testing. Allele origin: germline.
Comment: The p.T600I variant (also known as c.1799C>T), located in coding exon 14 of the POLD1 gene, results from a C to T substitution at nucleotide position 1799. The threonine at codon 600 is replaced by isoleucine, an amino acid with similar properties. This amino acid position is conserved. In addition, the in silico prediction for this alteration is inconclusive. Since supporting evidence is limited at this time, the clinical significance of this alteration remains unclear.

NM_002691.4(POLD1):c.1799C>T (p.Thr600Ile)

Gene: POLD1 (DNA polymerase delta 1, catalytic subunit; plus strand). Cytogenetic location: 19q13.33.
Variant type: single nucleotide variant.
Coding change: c.1799C>T on transcript NM_002691.4 (MANE Select); coding-DNA position 1799, C replaced by T.
Protein change: p.Thr600Ile; replaces threonine 600 with isoleucine.
Molecular consequence: missense variant. On other transcripts: non-coding transcript variant (1).
Genome position (GRCh38, 1-based): chr19:50,408,808, C>T. VCF-style: chr19-50408808-C-T. GRCh37 (hg19) VCF-style: chr19-50912065-C-T.
Other names: c.1799C>T, p.Thr600Ile (NM_001256849.1); c.1877C>T, p.Thr626Ile (NM_001308632.1); short protein forms T600I, T626I.
Identifiers: ClinVar variation 407979 (VCV000407979.15), dbSNP rs1060501810, ClinGen allele CA16616150.
Genomic context (GRCh38, chr19:50,408,808, plus strand): 5'-TAGCCCTGACTCCCGGCCGCGGCTGCTCCCCTCCCAGGTACTACGACGTCCCCATCGCCA[C>T]CCTGGACTTCTCCTCGCTGTACCCGTCCATCATGATGGCCCACAACCTGTGTTACACCAC-3'
Protein context (NP_002682.2, residues 590-610): LKGYYDVPIA[Thr600Ile]LDFSSLYPSI